The following is an entry in ClinVar:

ClinVar aggregate classification (germline): Uncertain significance. Review status: criteria provided, multiple submitters, no conflicts (2 of 4 stars). 2 submissions from 2 submitters: Uncertain significance (2). Last evaluated 2024-12-23.

Conditions:
Cohen syndrome (COH1). Also called: PEPPER SYNDROME; Cutis verticis gyrata, retinitis pigmentosa, and sensorineural deafness. Identifiers: Orphanet 193, MedGen C0265223, MONDO:0008999, OMIM 216550.
Inborn genetic diseases. Identifiers: MedGen C0950123, MeSH D030342.

Allele frequency attached by ClinVar (database versions not stated): TOPMed 0.00001.
gnomAD v4.1: 3 of 1,613,590 alleles (0.00019%); highest among the groups gnomAD compares: South Asian, 0.0011%; no homozygotes.

Submissions (2):

Ambry Genetics
Classification: Uncertain significance for Inborn genetic diseases. Last evaluated: 2024-12-23. Review status: criteria provided, single submitter. Criteria: Ambry Variant Classification Scheme 2023. Collection method: clinical testing. Allele origin: germline.

Labcorp Genetics (formerly Invitae), Labcorp
Classification: Uncertain significance for Cohen syndrome. Last evaluated: 2022-06-18. Review status: criteria provided, single submitter. Criteria: Invitae Variant Classification Sherloc (09022015). Collection method: clinical testing. Allele origin: germline.
Comment: This sequence change replaces serine, which is neutral and polar, with asparagine, which is neutral and polar, at codon 1359 of the VPS13B protein (p.Ser1359Asn). This variant is not present in population databases (gnomAD no frequency). This variant has not been reported in the literature in individuals affected with VPS13B-related conditions. Algorithms developed to predict the effect of missense changes on protein structure and function are either unavailable or do not agree on the potential impact of this missense change (SIFT: "Not Available"; PolyPhen-2: "Possibly Damaging"; Align-GVGD: "Not Available"). In summary, the available evidence is currently insufficient to determine the role of this variant in disease. Therefore, it has been classified as a Variant of Uncertain Significance.

NM_152564.5(VPS13B):c.4076G>A (p.Ser1359Asn)

Gene: VPS13B (vacuolar protein sorting 13 homolog B; plus strand). Cytogenetic location: 8q22.2.
Variant type: single nucleotide variant.
Coding change: c.4076G>A on transcript NM_152564.5 (MANE Select); coding-DNA position 4076, G replaced by A.
Protein change: p.Ser1359Asn; replaces serine 1359 with asparagine.
Molecular consequence: missense variant.
Genome position (GRCh38, 1-based): chr8:99,502,869, G>A. VCF-style: chr8-99502869-G-A. GRCh37 (hg19) VCF-style: chr8-100515097-G-A.
Other names: c.4076G>A, p.Ser1359Asn (NM_017890.5); c.4076G>A (NM_017890.3); short protein forms S1359N.
Identifiers: ClinVar variation 1982907 (VCV001982907.2), dbSNP rs1821316658, ClinGen allele CA371869960.